The following is an entry in ClinVar:

ClinVar aggregate classification (germline): Likely benign (1 of 4 stars; one submission).

Allele frequency attached by ClinVar (database versions not stated): gnomAD exomes 0.00004; ExAC 0.00019; 1000 Genomes Project 30x 0.00021; 1000 Genomes Project 0.00026; gnomAD 0.00039; TOPMed 0.00047; ESP Exome Variant Server 0.00095.

Submission:

CeGaT Center for Human Genetics Tuebingen
Classification: Likely benign. Last evaluated: 2023-03-01. Review status: criteria provided, single submitter. Criteria: CeGaT Center For Human Genetics Tuebingen Variant Classification Criteria Version 2. Collection method: clinical testing. Allele origin: germline. Affected: yes. Observed: 1 variant allele.
Comment: SMARCA1: BP4, BP7, BS2

NM_001282874.2(SMARCA1):c.1164T>C (p.His388=)

Gene: SMARCA1 (SNF2 related chromatin remodeling ATPase 1; minus strand). Cytogenetic location: Xq26.1.
Variant type: single nucleotide variant.
Coding change: c.1164T>C on transcript NM_001282874.2 (MANE Select); coding-DNA position 1164, T replaced by C.
Protein change: p.His388=; no amino-acid change (histidine 388 retained).
Molecular consequence: synonymous variant.
Genome position (GRCh38, 1-based): chrX:129,504,737, A>G on the plus strand (T>C on the coding strand, the complement: SMARCA1 is on the minus strand). VCF-style: chrX-129504737-A-G. GRCh37 (hg19) VCF-style: chrX-128638714-A-G.
Other names: c.1164T>C, p.His388= (NM_001282875.2, NM_001378261.1, NM_001378262.1 and 3 more transcripts).
Identifiers: ClinVar variation 2661391 (VCV002661391.24), dbSNP rs144784551, ClinGen allele CA10511684.